The following is an entry in ClinVar:

NM_002880.4(RAF1):c.947G>A (p.Arg316Lys)

Gene: RAF1 (Raf-1 proto-oncogene, serine/threonine kinase; minus strand). Cytogenetic location: 3p25.2.
Variant type: single nucleotide variant.
Coding change: c.947G>A on transcript NM_002880.4 (MANE Select); coding-DNA position 947, G replaced by A.
Protein change: p.Arg316Lys; replaces arginine 316 with lysine.
Molecular consequence: missense variant. On other transcripts: non-coding transcript variant (3).
Genome position (GRCh38, 1-based): chr3:12,600,195, C>T on the plus strand (G>A on the coding strand, the complement: RAF1 is on the minus strand). VCF-style: chr3-12600195-C-T. GRCh37 (hg19) VCF-style: chr3-12641694-C-T.
Other names: c.1007G>A, p.Arg336Lys (NM_001354689.3); c.947G>A, p.Arg316Lys (NM_001354690.3); c.704G>A, p.Arg235Lys (NM_001354691.3, NM_001354692.3); c.848G>A, p.Arg283Lys (NM_001354693.3); c.764G>A, p.Arg255Lys (NM_001354694.3); c.605G>A, p.Arg202Lys (NM_001354695.3); short protein forms R255K, R316K, R202K, R336K, R235K, R283K.
Identifiers: ClinVar variation 2085489 (VCV002085489.4), dbSNP rs2470303930, ClinGen allele CA351508590.

ClinVar aggregate classification (germline): Uncertain significance (1 of 4 stars; one submission).

Conditions:
RASopathy. Also called: rasopathies; Noonan spectrum disorder. Identifiers: Orphanet 536391, MedGen C5555857, MONDO:0021060.

Allele frequency attached by ClinVar (database versions not stated): gnomAD exomes below 0.00001.
gnomAD v4.1: 1 of 1,614,220 alleles (0.000062%); highest among the groups gnomAD compares: Admixed American, 0.0017%; no homozygotes.

Submission:

Labcorp Genetics (formerly Invitae), Labcorp
Classification: Uncertain significance for RASopathy. Last evaluated: 2025-01-24. Review status: criteria provided, single submitter. Criteria: Invitae Variant Classification Sherloc (09022015). Collection method: clinical testing. Allele origin: germline.
Comment: This sequence change replaces arginine, which is basic and polar, with lysine, which is basic and polar, at codon 316 of the RAF1 protein (p.Arg316Lys). This variant is not present in population databases (gnomAD no frequency). This variant has not been reported in the literature in individuals affected with RAF1-related conditions. ClinVar contains an entry for this variant (Variation ID: 2085489). Invitae Evidence Modeling incorporating data from in vitro experimental studies (internal data) indicates that this missense variant is not expected to disrupt RAF1 function with a negative predictive value of 95%. In summary, the available evidence is currently insufficient to determine the role of this variant in disease. Therefore, it has been classified as a Variant of Uncertain Significance.